The following is an entry in ClinVar:

NM_001135649.3(FOXI3):c.376_383del (p.Pro126fs)

Gene: FOXI3 (forkhead box I3; minus strand). Cytogenetic location: 2p11.2.
Variant type: Deletion.
Coding change: c.376_383del on transcript NM_001135649.3 (MANE Select); coding-DNA positions 376 to 383, 8 bases deleted (CCCGGGGA; older notation c.376_383delCCCGGGGA).
Protein change: p.Pro126fs; shifts the reading frame from proline 126.
Molecular consequence: frameshift variant.
Genome position (GRCh38, 1-based): chr2:88,452,153-88,452,160, TCCCCGGG deleted on the plus strand (CCCGGGGA on the coding strand, the reverse complement: FOXI3 is on the minus strand). VCF-style (leftmost placement, unchanged base first): chr2-88452152-CTCCCCGGG-C. GRCh37 (hg19) VCF-style: chr2-88751671-CTCCCCGGG-C.
Other names: short protein forms P126fs.
Identifiers: ClinVar variation 2705166 (VCV002705166.3), dbSNP rs2528916680, ClinGen allele CA2697548345.

ClinVar aggregate classification (germline): Uncertain significance (1 of 4 stars; one submission).

Submission:

Labcorp Genetics (formerly Invitae), Labcorp
Classification: Uncertain significance. Last evaluated: 2024-01-22. Review status: criteria provided, single submitter. Criteria: Invitae Variant Classification Sherloc (09022015). Collection method: clinical testing. Allele origin: germline.
Comment: This sequence change creates a premature translational stop signal (p.Pro126Alafs*50) in the FOXI3 gene. It is expected to result in an absent or disrupted protein product. However, the current clinical and genetic evidence is not sufficient to establish whether loss-of-function variants in FOXI3 cause disease. This variant is not present in population databases (gnomAD no frequency). This variant has not been reported in the literature in individuals affected with FOXI3-related conditions. In summary, the available evidence is currently insufficient to determine the role of this variant in disease. Therefore, it has been classified as a Variant of Uncertain Significance.